The following is an entry in ClinVar:

ClinVar aggregate classification (germline): Pathogenic (1 of 4 stars; one submission).

Submission:

Labcorp Genetics (formerly Invitae), Labcorp
Classification: Pathogenic. Last evaluated: 2022-09-22. Review status: criteria provided, single submitter. Criteria: Invitae Variant Classification Sherloc (09022015). Collection method: clinical testing. Allele origin: unknown.
Comment: For these reasons, this variant has been classified as Pathogenic. This variant has not been reported in the literature in individuals affected with MSH3-related conditions. This variant is a gross deletion of the genomic region encompassing exon(s) 16-17 of the MSH3 gene. This deletion is out-of-frame, and is expected to create a premature termination codon and result in an absent or disrupted protein product. Loss-of-function variants in MSH3 are known to be pathogenic (PMID: 27476653).

Literature cited by the submitters: PubMed 27476653.

NC_000005.9:g.(?_80071493)_(80074675_?)del

Gene: MSH3 (mutS homolog 3; plus strand). Cytogenetic location: 5q14.1.
Variant type: Deletion.
Identifiers: ClinVar variation 3246490 (VCV003246490.1).